The following is an entry in ClinVar:

ClinVar aggregate classification (germline): Uncertain significance (1 of 4 stars; one submission).

Conditions:
DOCK2 deficiency. Also called: Immunodeficiency 40. Identifiers: Orphanet 447737, MedGen C4225328, MONDO:0014637, OMIM 616433.

Allele frequency attached by ClinVar (database versions not stated): gnomAD exomes below 0.00001.
gnomAD v4.1: 5 of 1,613,910 alleles (0.00031%); highest among the groups gnomAD compares: African/African-American, 0.0013%; no homozygotes.

Submission:

Labcorp Genetics (formerly Invitae), Labcorp
Classification: Uncertain significance for DOCK2 deficiency. Last evaluated: 2022-02-03. Review status: criteria provided, single submitter. Criteria: Invitae Variant Classification Sherloc (09022015). Collection method: clinical testing. Allele origin: germline.
Comment: This variant is not present in population databases (gnomAD no frequency). This variant has not been reported in the literature in individuals affected with DOCK2-related conditions. Algorithms developed to predict the effect of missense changes on protein structure and function are either unavailable or do not agree on the potential impact of this missense change (SIFT: "Tolerated"; PolyPhen-2: "Probably Damaging"; Align-GVGD: "Class C0"). In summary, the available evidence is currently insufficient to determine the role of this variant in disease. Therefore, it has been classified as a Variant of Uncertain Significance. This sequence change replaces aspartic acid, which is acidic and polar, with asparagine, which is neutral and polar, at codon 1229 of the DOCK2 protein (p.Asp1229Asn).

NM_004946.3(DOCK2):c.3685G>A (p.Asp1229Asn)

Gene: DOCK2 (dedicator of cytokinesis 2; plus strand). Cytogenetic location: 5q35.1.
Variant type: single nucleotide variant.
Coding change: c.3685G>A on transcript NM_004946.3 (MANE Select); coding-DNA position 3685, G replaced by A.
Protein change: p.Asp1229Asn; replaces aspartic acid 1229 with asparagine.
Molecular consequence: missense variant. On other transcripts: non-coding transcript variant (1).
Genome position (GRCh38, 1-based): chr5:170,041,074, G>A. VCF-style: chr5-170041074-G-A. GRCh37 (hg19) VCF-style: chr5-169468078-G-A.
Other names: short protein forms D1229N.
Identifiers: ClinVar variation 1905213 (VCV001905213.5), dbSNP rs2532452485, ClinGen allele CA362108339.